The following is an entry in ClinVar:

NM_033124.5(DRC2):c.1096T>C (p.Phe366Leu)

Gene: DRC2 (dynein regulatory complex subunit 2; plus strand). Cytogenetic location: 12q13.12.
Variant type: single nucleotide variant.
Coding change: c.1096T>C on transcript NM_033124.5 (MANE Select); coding-DNA position 1096, T replaced by C.
Protein change: p.Phe366Leu; replaces phenylalanine 366 with leucine.
Molecular consequence: missense variant.
Genome position (GRCh38, 1-based): chr12:48,920,999, T>C. VCF-style: chr12-48920999-T-C. GRCh37 (hg19) VCF-style: chr12-49314782-T-C.
Other names: c.667T>C, p.Phe223Leu (NM_001286957.2); short protein forms F223L, F366L.
Identifiers: ClinVar variation 2986672 (VCV002986672.2), dbSNP rs773165714, ClinGen allele CA6543438.

ClinVar aggregate classification (germline): Uncertain significance (1 of 4 stars; one submission).

Conditions:
Primary ciliary dyskinesia 27. Also called: CILIARY DYSKINESIA, PRIMARY, 27, WITHOUT SITUS INVERSUS. Identifiers: Orphanet 244, MedGen C3809701, MONDO:0014215, OMIM 615504.

Allele frequency attached by ClinVar (database versions not stated): ExAC 0.00001; gnomAD exomes 0.00001; TOPMed 0.00001; gnomAD 0.00002.
gnomAD v4.1: 20 of 1,613,890 alleles (0.0012%); highest among the groups gnomAD compares: South Asian, 0.0055%; no homozygotes.

Submission:

Labcorp Genetics (formerly Invitae), Labcorp
Classification: Uncertain significance for Primary ciliary dyskinesia 27. Last evaluated: 2023-03-14. Review status: criteria provided, single submitter. Criteria: Invitae Variant Classification Sherloc (09022015). Collection method: clinical testing. Allele origin: germline.
Comment: In summary, the available evidence is currently insufficient to determine the role of this variant in disease. Therefore, it has been classified as a Variant of Uncertain Significance. An algorithm developed to predict the effect of missense changes on protein structure and function (PolyPhen-2) suggests that this variant is likely to be disruptive. This variant has not been reported in the literature in individuals affected with CCDC65-related conditions. This variant is present in population databases (rs773165714, gnomAD 0.01%). This sequence change replaces phenylalanine, which is neutral and non-polar, with leucine, which is neutral and non-polar, at codon 366 of the CCDC65 protein (p.Phe366Leu).